The following is an entry in ClinVar:

NM_152424.4(AMER1):c.2017A>T (p.Thr673Ser)

Gene: AMER1 (APC membrane recruitment protein 1; minus strand). Cytogenetic location: Xq11.2.
Variant type: single nucleotide variant.
Coding change: c.2017A>T on transcript NM_152424.4 (MANE Select); coding-DNA position 2017, A replaced by T.
Protein change: p.Thr673Ser; replaces threonine 673 with serine.
Molecular consequence: missense variant.
Genome position (GRCh38, 1-based): chrX:64,191,270, T>A on the plus strand (A>T on the coding strand, the complement: AMER1 is on the minus strand). VCF-style: chrX-64191270-T-A. GRCh37 (hg19) VCF-style: chrX-63411150-T-A.
Other names: short protein forms T673S.
Identifiers: ClinVar variation 4716341 (VCV004716341.1).

ClinVar aggregate classification (germline): Uncertain significance (1 of 4 stars; one submission).

Submission:

Labcorp Genetics (formerly Invitae), Labcorp
Classification: Uncertain significance. Last evaluated: 2025-03-30. Review status: criteria provided, single submitter. Criteria: Invitae Variant Classification Sherloc (09022015). Collection method: clinical testing. Allele origin: germline.
Comment: This sequence change replaces threonine, which is neutral and polar, with serine, which is neutral and polar, at codon 673 of the AMER1 protein (p.Thr673Ser). This variant is not present in population databases (gnomAD no frequency). This variant has not been reported in the literature in individuals affected with AMER1-related conditions. An algorithm developed to predict the effect of missense changes on protein structure and function (PolyPhen-2) suggests that this variant is likely to be tolerated. In summary, the available evidence is currently insufficient to determine the role of this variant in disease. Therefore, it has been classified as a Variant of Uncertain Significance.